The following is an entry in ClinVar:

NM_003998.4(NFKB1):c.2382T>A (p.Tyr794Ter)

Gene: NFKB1 (nuclear factor kappa B subunit 1; plus strand). Cytogenetic location: 4q24.
Variant type: single nucleotide variant.
Coding change: c.2382T>A on transcript NM_003998.4 (MANE Select); coding-DNA position 2382, T replaced by A.
Protein change: p.Tyr794Ter; replaces tyrosine 794 with a stop codon.
Molecular consequence: nonsense.
Genome position (GRCh38, 1-based): chr4:102,612,073, T>A. VCF-style: chr4-102612073-T-A. GRCh37 (hg19) VCF-style: chr4-103533230-T-A.
Other names: c.2379T>A, p.Tyr793Ter (NM_001165412.2, NM_001319226.2, NM_001382627.1); c.2382T>A, p.Tyr794Ter (NM_001382625.1, NM_001382626.1); c.2340T>A, p.Tyr780Ter (NM_001382628.1); short protein forms Y794*, Y780*, Y793*.
Identifiers: ClinVar variation 3729872 (VCV003729872.2).

ClinVar aggregate classification (germline): Pathogenic (1 of 4 stars; one submission).

Submission:

Labcorp Genetics (formerly Invitae), Labcorp
Classification: Pathogenic. Last evaluated: 2025-01-31. Review status: criteria provided, single submitter. Criteria: Invitae Variant Classification Sherloc (09022015). Collection method: clinical testing. Allele origin: germline.
Comment: This sequence change creates a premature translational stop signal (p.Tyr794*) in the NFKB1 gene. It is expected to result in an absent or disrupted protein product. Loss-of-function variants in NFKB1 are known to be pathogenic (PMID: 26279205, 29477724). This variant is not present in population databases (gnomAD no frequency). This variant has not been reported in the literature in individuals affected with NFKB1-related conditions. For these reasons, this variant has been classified as Pathogenic.

Literature cited by the submitters: PubMed 26279205; PubMed 29477724.